The following is an entry in ClinVar:

ClinVar aggregate classification (germline): Likely benign (0 of 4 stars; one submission).

Conditions:
SH2B1-related disorder. Also called: SH2B1-related condition.

Submission:

PreventionGenetics, part of Exact Sciences
Classification: Likely benign for SH2B1-related condition. Last evaluated: 2022-02-11. Review status: no assertion criteria provided. Collection method: clinical testing. Allele origin: germline.
Comment: This variant is classified as likely benign based on ACMG/AMP sequence variant interpretation guidelines (Richards et al. 2015 PMID: 25741868, with internal and published modifications).

NM_001387430.1(SH2B1):c.1983G>A (p.Ser661=)

Gene: SH2B1 (SH2B adaptor protein 1; plus strand). Cytogenetic location: 16p11.2.
Variant type: single nucleotide variant.
Coding change: c.1983G>A on transcript NM_001387430.1 (MANE Select); coding-DNA position 1983, G replaced by A.
Protein change: p.Ser661=; no amino-acid change (serine 661 retained).
Molecular consequence: synonymous variant. On other transcripts: 3 prime UTR variant (5).
Genome position (GRCh38, 1-based): chr16:28,873,532, G>A. VCF-style: chr16-28873532-G-A. GRCh37 (hg19) VCF-style: chr16-28884853-G-A.
Other names: c.1983G>A, p.Ser661= (NM_001145795.2, NM_001308293.2, NM_001387404.1); c.*67G>A (NM_001145796.2, NM_001145812.2, NM_001308294.2 and 1 more transcripts); c.*84G>A (NM_001145797.2).
Identifiers: ClinVar variation 3351988 (VCV003351988.1).